The following is an entry in ClinVar:

ClinVar aggregate classification (germline): Benign (0 of 4 stars; one submission).

Conditions:
DMWD-related disorder. Also called: DMWD-related condition.

Allele frequency attached by ClinVar (database versions not stated): gnomAD 0.00238; TOPMed 0.00300; ExAC 0.01008; 1000 Genomes Project 30x 0.01499; 1000 Genomes Project 0.01637.
gnomAD v4.1: 2,989 of 1,517,120 alleles (0.2%); highest among the groups gnomAD compares: East Asian, 6.5%; 104 homozygotes.

Submission:

PreventionGenetics, part of Exact Sciences
Classification: Benign for DMWD-related condition. Last evaluated: 2019-12-05. Review status: no assertion criteria provided. Collection method: clinical testing. Allele origin: germline.
Comment: This variant is classified as benign based on ACMG/AMP sequence variant interpretation guidelines (Richards et al. 2015 PMID: 25741868, with internal and published modifications).

NM_004943.2(DMWD):c.1416C>T (p.Ala472=)

Gene: DMWD (DM1 locus, WD repeat containing; minus strand). Cytogenetic location: 19q13.32.
Variant type: single nucleotide variant.
Coding change: c.1416C>T on transcript NM_004943.2 (MANE Select); coding-DNA position 1416, C replaced by T.
Protein change: p.Ala472=; no amino-acid change (alanine 472 retained).
Molecular consequence: synonymous variant.
Genome position (GRCh38, 1-based): chr19:45,786,080, G>A on the plus strand (C>T on the coding strand, the complement: DMWD is on the minus strand). VCF-style: chr19-45786080-G-A. GRCh37 (hg19) VCF-style: chr19-46289338-G-A.
Identifiers: ClinVar variation 3057124 (VCV003057124.2), dbSNP rs76141709, ClinGen allele CA9522053.